The following is an entry in ClinVar:

NM_001395484.1(SPAG11A):c.210C>T (p.Tyr70=)

Gene: SPAG11A (sperm associated antigen 11A; plus strand). Cytogenetic location: 8p23.1.
Variant type: single nucleotide variant.
Coding change: c.210C>T on transcript NM_001395484.1 (MANE Select); coding-DNA position 210, C replaced by T.
Protein change: p.Tyr70=; no amino-acid change (tyrosine 70 retained).
Molecular consequence: synonymous variant.
Genome position (GRCh38, 1-based): chr8:7,848,839, C>T. VCF-style: chr8-7848839-C-T. GRCh37 (hg19) VCF-style: chr8-7706361-C-T.
Other names: c.210C>T, p.Tyr70= (NM_001081552.3, NM_001363726.3).
Identifiers: ClinVar variation 4084053 (VCV004084053.8).

ClinVar aggregate classification (germline): Likely benign (1 of 4 stars; one submission).

Submission:

CeGaT Center for Human Genetics Tuebingen
Classification: Likely benign. Last evaluated: 2026-03-01. Review status: criteria provided, single submitter. Criteria: CeGaT Center For Human Genetics Tuebingen Variant Classification Criteria Version 2. Collection method: clinical testing. Allele origin: germline. Affected: yes. Observed: 1 variant allele.
Comment: SPAG11A: BP4, BP7